The following is an entry in ClinVar:

ClinVar aggregate classification (germline): Uncertain significance (1 of 4 stars; one submission).

Conditions:
Hereditary cancer-predisposing syndrome. Also called: Neoplastic Syndromes, Hereditary; Tumor predisposition; Hereditary Cancer Syndrome; Hereditary neoplastic syndrome. Identifiers: Orphanet 140162, MedGen C0027672, MeSH D009386, MONDO:0015356.

Submission:

Ambry Genetics
Classification: Uncertain significance for Hereditary cancer-predisposing syndrome. Last evaluated: 2025-05-08. Review status: criteria provided, single submitter. Criteria: Ambry Variant Classification Scheme 2023. Collection method: clinical testing. Allele origin: germline.
Comment: The c.688-4T>G intronic variant results from a T to G substitution 4 nucleotides upstream from coding exon 6 in the CDH1 gene. This nucleotide position is poorly conserved in available vertebrate species. In silico splice site analysis for this alteration is inconclusive; however, direct evidence is insufficient at this time (Ambry internal data). Since supporting evidence is limited at this time, the clinical significance of this alteration remains unclear.

NM_004360.5(CDH1):c.688-4T>G

Gene: CDH1 (cadherin 1; plus strand). Cytogenetic location: 16q22.1.
Variant type: single nucleotide variant.
Coding change: c.688-4T>G on transcript NM_004360.5 (MANE Select); 4 bases into the intron before coding-DNA position 688, T replaced by G.
Molecular consequence: intron variant.
Genome position (GRCh38, 1-based): chr16:68,810,193, T>G. VCF-style: chr16-68810193-T-G. GRCh37 (hg19) VCF-style: chr16-68844096-T-G.
Other names: c.-928-4T>G (NM_001317185.2); c.-1132-4T>G (NM_001317186.2); c.688-4T>G (NM_001317184.2).
Identifiers: ClinVar variation 1755962 (VCV001755962.4), dbSNP rs781633588, ClinGen allele CA2580091950.